The following is an entry in ClinVar:

NM_001199107.2(TBC1D24):c.1072C>A (p.Pro358Thr)

Gene: TBC1D24 (TBC1 domain family member 24; plus strand). Cytogenetic location: 16p13.3.
Variant type: single nucleotide variant.
Coding change: c.1072C>A on transcript NM_001199107.2 (MANE Select); coding-DNA position 1072, C replaced by A.
Protein change: p.Pro358Thr; replaces proline 358 with threonine.
Molecular consequence: missense variant.
Genome position (GRCh38, 1-based): chr16:2,498,326, C>A. VCF-style: chr16-2498326-C-A. GRCh37 (hg19) VCF-style: chr16-2548327-C-A.
Other names: c.1054C>A, p.Pro352Thr (NM_020705.3); short protein forms P358T, P352T.
Identifiers: ClinVar variation 576626 (VCV000576626.13), dbSNP rs368150932, ClinGen allele CA7844148.

ClinVar aggregate classification (germline): Uncertain significance. Review status: criteria provided, multiple submitters, no conflicts (2 of 4 stars). 3 submissions from 3 submitters: Uncertain significance (3). Last evaluated 2024-10-22.

Conditions:
Inborn genetic diseases. Identifiers: MedGen C0950123, MeSH D030342.
Autosomal dominant nonsyndromic hearing loss 65. Also called: Deafness, autosomal dominant 65; TBC1D24-Related Autosomal Dominant Nonsyndromic Hearing Loss (DFNA). Identifiers: Orphanet 90635, MedGen C3892048, MONDO:0014470, OMIM 616044.
Developmental and epileptic encephalopathy, 1 (DEE1). Also called: Epileptic encephalopathy, early infantile, 1; X-linked infantile spasms; West's syndrome; Tonic spasms with clustering, arrest of psychomotor development and hypsarrhythmia on EEG; X-Linked Infantile Spasm Syndrome; OHTAHARA SYNDROME, X-LINKED. Identifiers: MedGen C3463992, MONDO:0010632, OMIM 308350. Disease mechanism: loss of function.

Allele frequency attached by ClinVar (database versions not stated): gnomAD exomes below 0.00001; ExAC 0.00001; TOPMed 0.00002; gnomAD 0.00001 and 0.00003; ESP Exome Variant Server 0.00008.
gnomAD v4.1: 2 of 1,610,640 alleles (0.00012%); highest among the groups gnomAD compares: African/African-American, 0.0027%; no homozygotes.

Submissions (3):

Labcorp Genetics (formerly Invitae), Labcorp
Classification: Uncertain significance for Developmental and epileptic encephalopathy, 1; Autosomal dominant nonsyndromic hearing loss 65. Last evaluated: 2024-10-22. Review status: criteria provided, single submitter. Criteria: Invitae Variant Classification Sherloc (09022015). Collection method: clinical testing. Allele origin: germline.
Comment: This sequence change replaces proline, which is neutral and non-polar, with threonine, which is neutral and polar, at codon 358 of the TBC1D24 protein (p.Pro358Thr). The frequency data for this variant in the population databases is considered unreliable, as metrics indicate poor data quality at this position in the gnomAD database. This variant has not been reported in the literature in individuals affected with TBC1D24-related conditions. ClinVar contains an entry for this variant (Variation ID: 576626). Invitae Evidence Modeling of protein sequence and biophysical properties (such as structural, functional, and spatial information, amino acid conservation, physicochemical variation, residue mobility, and thermodynamic stability) indicates that this missense variant is expected to disrupt TBC1D24 protein function with a positive predictive value of 95%. In summary, the available evidence is currently insufficient to determine the role of this variant in disease. Therefore, it has been classified as a Variant of Uncertain Significance.

Ambry Genetics
Classification: Uncertain significance for Inborn genetic diseases. Last evaluated: 2021-02-19. Review status: criteria provided, single submitter. Criteria: Ambry Variant Classification Scheme 2023. Collection method: clinical testing. Allele origin: germline.
Comment: The c.1072C>A (p.P358T) alteration is located in exon 4 (coding exon 3) of the TBC1D24 gene. This alteration results from a C to A substitution at nucleotide position 1072, causing the proline (P) at amino acid position 358 to be replaced by a threonine (T). The in silico prediction for the p.P358T alteration is inconclusive. Based on insufficient or conflicting evidence, the clinical significance of this alteration remains unclear.

Eurofins Ntd Llc (ga)
Classification: Uncertain significance. Last evaluated: 2017-11-16. Review status: criteria provided, single submitter. Criteria: EGL Classification Definitions 2015. Collection method: clinical testing. Allele origin: germline. Observed: 1 variant allele, 1 heterozygote.